The following is an entry in ClinVar:

ClinVar aggregate classification (germline): Uncertain significance (1 of 4 stars; one submission).

Conditions:
Familial cold autoinflammatory syndrome 3 (FCAS3). Also called: FAMILIAL ATYPICAL COLD URTICARIA; ANTIBODY DEFICIENCY AND IMMUNE DYSREGULATION, PLCG2-ASSOCIATED. Identifiers: Orphanet 300359, MedGen C3280914, MONDO:0013766, OMIM 614468.

Allele frequency attached by ClinVar (database versions not stated): ExAC 0.00001; gnomAD 0.00001; TOPMed 0.00001.
gnomAD v4.1: 9 of 1,613,832 alleles (0.00056%); highest among the groups gnomAD compares: South Asian, 0.0011%; no homozygotes.

Submission:

Labcorp Genetics (formerly Invitae), Labcorp
Classification: Uncertain significance for Familial cold autoinflammatory syndrome 3. Last evaluated: 2025-04-07. Review status: criteria provided, single submitter. Criteria: Invitae Variant Classification Sherloc (09022015). Collection method: clinical testing. Allele origin: germline.
Comment: This sequence change replaces proline, which is neutral and non-polar, with alanine, which is neutral and non-polar, at codon 737 of the PLCG2 protein (p.Pro737Ala). This variant is present in population databases (rs748649938, gnomAD 0.0009%). This variant has not been reported in the literature in individuals affected with PLCG2-related conditions. ClinVar contains an entry for this variant (Variation ID: 1002476). An algorithm developed to predict the effect of missense changes on protein structure and function (PolyPhen-2) suggests that this variant is likely to be tolerated. In summary, the available evidence is currently insufficient to determine the role of this variant in disease. Therefore, it has been classified as a Variant of Uncertain Significance.

NM_002661.5(PLCG2):c.2209C>G (p.Pro737Ala)

Gene: PLCG2 (phospholipase C gamma 2; plus strand). Cytogenetic location: 16q23.3.
Variant type: single nucleotide variant.
Coding change: c.2209C>G on transcript NM_002661.5 (MANE Select); coding-DNA position 2209, C replaced by G.
Protein change: p.Pro737Ala; replaces proline 737 with alanine.
Molecular consequence: missense variant.
Genome position (GRCh38, 1-based): chr16:81,919,638, C>G. VCF-style: chr16-81919638-C-G. GRCh37 (hg19) VCF-style: chr16-81953243-C-G.
Other names: short protein forms P737A.
Identifiers: ClinVar variation 1002476 (VCV001002476.8), dbSNP rs748649938, ClinGen allele CA8194117.
Genomic context (GRCh38, chr16:81,919,638, plus strand): 5'-GTCAGTTACTACGAGAAGCATTCACTCTACCGAAAGATGAGACTGCGCTACCCCGTGACC[C>G]CCGAGCTCCTGGAGCGCTACAATATGGTAGGTGGTGGACTCCCTTGTGATTTGGTGGGAT-3'
Protein context (NP_002652.2, residues 727-747): RKMRLRYPVT[Pro737Ala]ELLERYNMER